The following is an entry in ClinVar:

ClinVar aggregate classification (germline): Benign/Likely benign. Review status: criteria provided, multiple submitters, no conflicts (2 of 4 stars). 5 submissions from 5 submitters: Benign (1); Likely benign (4). Last evaluated 2026-04-20.

Conditions:
DICER1-related tumor predisposition. Also called: DICER1-related pleuropulmonary blastoma cancer predisposition syndrome; DICER1 syndrome. Identifiers: Orphanet 284343, MedGen C3839822, MONDO:0100216.
Hereditary cancer-predisposing syndrome. Also called: Hereditary neoplastic syndrome; Neoplastic Syndromes, Hereditary; Hereditary Cancer Syndrome; Tumor predisposition. Identifiers: Orphanet 140162, MedGen C0027672, MeSH D009386, MONDO:0015356.
Pleuropulmonary blastoma (PPB). Identifiers: Orphanet 64742, MedGen C1266144, MONDO:0011014, OMIM 601200, HP:0100528.

Allele frequency attached by ClinVar (database versions not stated): gnomAD 0.00003 and 0.00002; gnomAD exomes 0.00004 and 0.00002; TOPMed 0.00003.
gnomAD v4.1: 61 of 1,614,122 alleles (0.0038%); highest among the groups gnomAD compares: Non-Finnish European, 0.0048%; no homozygotes.

Submissions (5):

Myriad Genetics, Inc.
Classification: Benign for DICER1-related tumor predisposition. Last evaluated: 2026-04-20. Review status: criteria provided, single submitter. Criteria: Myriad Autosomal Dominant, Autosomal Recessive and X-Linked Classification Criteria (2023). Collection method: clinical testing. Allele origin: unknown.
Comment: This variant is considered benign. This variant is a silent/synonymous amino acid change and it is not expected to impact splicing.

Labcorp Genetics (formerly Invitae), Labcorp
Classification: Likely benign for DICER1-related tumor predisposition. Last evaluated: 2026-02-03. Review status: criteria provided, single submitter. Criteria: Invitae Variant Classification Sherloc (09022015). Collection method: clinical testing. Allele origin: germline.

KCCC/NGS Laboratory, Kuwait Cancer Control Center
Classification: Likely benign for Pleuropulmonary blastoma. Last evaluated: 2023-07-07. Review status: criteria provided, single submitter. Criteria: ACMG Guidelines, 2015. Collection method: clinical testing. Allele origin: germline. Affected: yes.

Sema4
Classification: Likely benign for Hereditary cancer-predisposing syndrome. Last evaluated: 2021-09-25. Review status: criteria provided, single submitter. Criteria: Sema4 Curation Guidelines. Collection method: curation. Allele origin: germline.

Ambry Genetics
Classification: Likely benign for Hereditary cancer-predisposing syndrome. Last evaluated: 2017-06-07. Review status: criteria provided, single submitter. Criteria: Ambry Variant Classification Scheme 2023. Collection method: clinical testing. Allele origin: germline.

NM_177438.3(DICER1):c.4899A>G (p.Val1633=)

Gene: DICER1 (dicer 1, ribonuclease III; minus strand). Cytogenetic location: 14q32.13.
Variant type: single nucleotide variant.
Coding change: c.4899A>G on transcript NM_177438.3 (MANE Select); coding-DNA position 4899, A replaced by G.
Protein change: p.Val1633=; no amino-acid change (valine 1633 retained).
Molecular consequence: synonymous variant.
Genome position (GRCh38, 1-based): chr14:95,096,021, T>C on the plus strand (A>G on the coding strand, the complement: DICER1 is on the minus strand). VCF-style: chr14-95096021-T-C. GRCh37 (hg19) VCF-style: chr14-95562358-T-C.
Other names: c.4899A>G, p.Val1633= (NM_001195573.1, NM_001271282.3, NM_001291628.2 and 1 more transcripts).
Identifiers: ClinVar variation 242125 (VCV000242125.18), dbSNP rs878855271, ClinGen allele CA10583188.